The following is an entry in ClinVar:

NM_004385.5(VCAN):c.10161G>C (p.Trp3387Cys)

Gene: VCAN (versican; plus strand). Cytogenetic location: 5q14.3.
Variant type: single nucleotide variant.
Coding change: c.10161G>C on transcript NM_004385.5 (MANE Select); coding-DNA position 10161, G replaced by C.
Protein change: p.Trp3387Cys; replaces tryptophan 3387 with cysteine.
Molecular consequence: missense variant.
Genome position (GRCh38, 1-based): chr5:83,580,404, G>C. VCF-style: chr5-83580404-G-C. GRCh37 (hg19) VCF-style: chr5-82876223-G-C.
Other names: c.1938G>C, p.Trp646Cys (NM_001126336.3); c.7200G>C, p.Trp2400Cys (NM_001164097.2); c.4899G>C, p.Trp1633Cys (NM_001164098.2); short protein forms W3387C, W2400C, W1633C, W646C.
Identifiers: ClinVar variation 1957277 (VCV001957277.6), dbSNP rs1748630473, ClinGen allele CA360302671.
Genomic context (GRCh38, chr5:83,580,404, plus strand): 5'-TAAAAATTCCTCATCAGCAAAGGACAATTCAATAAATACATCCAAACATGATCATCGTTG[G>C]AGCCGGAGGTGGCAGGAGTCGAGGCGCTGATCCCTAAAATGGCGAACATGTGTTTTCATC-3'
Protein context (NP_004376.2, residues 3377-3396): SINTSKHDHR[Trp3387Cys]SRRWQESRR

ClinVar aggregate classification (germline): Uncertain significance. Review status: criteria provided, multiple submitters, no conflicts (2 of 4 stars). 2 submissions from 2 submitters: Uncertain significance (2). Last evaluated 2022-07-12.

Allele frequency attached by ClinVar (database versions not stated): gnomAD exomes below 0.00001; TOPMed below 0.00001.
gnomAD v4.1: 6 of 1,613,858 alleles (0.00037%); highest among the groups gnomAD compares: Non-Finnish European, 0.00051%; no homozygotes.

Submissions (2):

Labcorp Genetics (formerly Invitae), Labcorp
Classification: Uncertain significance. Last evaluated: 2022-07-12. Review status: criteria provided, single submitter. Criteria: Invitae Variant Classification Sherloc (09022015). Collection method: clinical testing. Allele origin: germline.
Comment: This sequence change replaces tryptophan, which is neutral and slightly polar, with cysteine, which is neutral and slightly polar, at codon 3387 of the VCAN protein (p.Trp3387Cys). This variant is not present in population databases (gnomAD no frequency). This variant has not been reported in the literature in individuals affected with VCAN-related conditions. Algorithms developed to predict the effect of missense changes on protein structure and function are either unavailable or do not agree on the potential impact of this missense change (SIFT: "Deleterious"; PolyPhen-2: "Probably Damaging"; Align-GVGD: "Class C0"). In summary, the available evidence is currently insufficient to determine the role of this variant in disease. Therefore, it has been classified as a Variant of Uncertain Significance.

Blueprint Genetics
Classification: Uncertain significance. Last evaluated: 2019-09-12. Review status: criteria provided, single submitter. Criteria: ACMG Guidelines, 2015. Collection method: clinical testing. Allele origin: germline.